The following is an entry in ClinVar:

ClinVar aggregate classification (germline): Conflicting classifications of pathogenicity. Review status: criteria provided, conflicting classifications (1 of 4 stars). 6 submissions from 6 submitters: Uncertain significance (1); Benign (1); Likely benign (3). 1 of the submissions does not count toward it. Last evaluated 2026-01-24.

Conditions:
CDKN1B-related disorder. Also called: CDKN1B-related condition.
Hereditary cancer-predisposing syndrome. Also called: Neoplastic Syndromes, Hereditary; Tumor predisposition; Hereditary Cancer Syndrome; Hereditary neoplastic syndrome. Identifiers: Orphanet 140162, MedGen C0027672, MeSH D009386, MONDO:0015356.
Multiple endocrine neoplasia type 4. Also called: MULTIPLE ENDOCRINE NEOPLASIA, TYPE IV. Identifiers: Orphanet 276152, MedGen C1970712, MONDO:0012552, OMIM 610755.

Allele frequency attached by ClinVar (database versions not stated): gnomAD exomes 0.00001; ExAC 0.00002; TOPMed 0.00004; ESP Exome Variant Server 0.00008; gnomAD 0.00009.

Submissions (6):

Labcorp Genetics (formerly Invitae), Labcorp
Classification: Likely benign for Multiple endocrine neoplasia type 4. Last evaluated: 2026-01-24. Review status: criteria provided, single submitter. Criteria: Invitae Variant Classification Sherloc (09022015). Collection method: clinical testing. Allele origin: germline.

Blueprint Genetics
Classification: Likely benign. Last evaluated: 2024-11-25. Review status: criteria provided, single submitter. Criteria: ACMG Guidelines, 2015. Collection method: clinical testing. Allele origin: germline.

Quest Diagnostics Nichols Institute San Juan Capistrano
Classification: Benign. Last evaluated: 2023-01-19. Review status: criteria provided, single submitter. Criteria: Quest Diagnostics criteria. Collection method: clinical testing. Allele origin: unknown.

Institute for Clinical Genetics, University Hospital TU Dresden, University Hospital TU Dresden
Classification: Uncertain significance. Last evaluated: 2021-11-03. Review status: criteria provided, single submitter. Criteria: ACMG Guidelines, 2015. Collection method: clinical testing. Allele origin: germline.

Ambry Genetics
Classification: Likely benign for Hereditary cancer-predisposing syndrome. Last evaluated: 2017-07-19. Review status: criteria provided, single submitter. Criteria: Ambry Variant Classification Scheme 2023. Collection method: clinical testing. Allele origin: germline.

PreventionGenetics, part of Exact Sciences
Classification: Likely benign for CDKN1B-related condition. Last evaluated: 2022-09-23. Review status: no assertion criteria provided. Collection method: clinical testing. Allele origin: germline. Not counted in ClinVar's aggregate classification.
Comment: This variant is classified as likely benign based on ACMG/AMP sequence variant interpretation guidelines (Richards et al. 2015 PMID: 25741868, with internal and published modifications).

NM_004064.5(CDKN1B):c.54C>T (p.Ala18=)

Gene: CDKN1B (cyclin dependent kinase inhibitor 1B; plus strand). Cytogenetic location: 12p13.1.
Variant type: single nucleotide variant.
Coding change: c.54C>T on transcript NM_004064.5 (MANE Select); coding-DNA position 54, C replaced by T.
Protein change: p.Ala18=; no amino-acid change (alanine 18 retained).
Molecular consequence: synonymous variant.
Genome position (GRCh38, 1-based): chr12:12,717,893, C>T. VCF-style: chr12-12717893-C-T. GRCh37 (hg19) VCF-style: chr12-12870827-C-T.
Identifiers: ClinVar variation 412885 (VCV000412885.23), dbSNP rs151027466, ClinGen allele CA6457372.
Genomic context (GRCh38, chr12:12,717,893, plus strand): 5'-GAGAAAGATGTCAAACGTGCGAGTGTCTAACGGGAGCCCTAGCCTGGAGCGGATGGACGC[C>T]AGGCAGGCGGAGCACCCCAAGCCCTCGGCCTGCAGGAACCTCTTCGGCCCGGTGGACCAC-3'
Protein context (NP_004055.1, residues 8-28): NGSPSLERMD[Ala18=]RQAEHPKPSA